The following is an entry in ClinVar:

NM_021096.4(CACNA1I):c.327C>G (p.Ser109=)

Gene: CACNA1I (calcium voltage-gated channel subunit alpha1 I; plus strand). Cytogenetic location: 22q13.1.
Variant type: single nucleotide variant.
Coding change: c.327C>G on transcript NM_021096.4 (MANE Select); coding-DNA position 327, C replaced by G.
Protein change: p.Ser109=; no amino-acid change (serine 109 retained).
Molecular consequence: synonymous variant.
Genome position (GRCh38, 1-based): chr22:39,598,241, C>G. VCF-style: chr22-39598241-C-G. GRCh37 (hg19) VCF-style: chr22-39994246-C-G.
Other names: c.327C>G, p.Ser109= (NM_001003406.2).
Identifiers: ClinVar variation 3067364 (VCV003067364.22), dbSNP rs370960257, ClinGen allele CA10243561.

ClinVar aggregate classification (germline): Likely benign. Review status: criteria provided, multiple submitters, no conflicts (2 of 4 stars). 2 submissions from 2 submitters: Likely benign (2). Last evaluated 2024-05-13.

Allele frequency attached by ClinVar (database versions not stated): gnomAD 0.00006; ESP Exome Variant Server 0.00024.
gnomAD v4.1: 75 of 1,599,608 alleles (0.0047%); highest among the groups gnomAD compares: Non-Finnish European, 0.006%; no homozygotes.

Submissions (2):

Blueprint Genetics
Classification: Likely benign. Last evaluated: 2024-05-13. Review status: criteria provided, single submitter. Criteria: ACMG Guidelines, 2015. Collection method: clinical testing. Allele origin: germline.

CeGaT Center for Human Genetics Tuebingen
Classification: Likely benign. Last evaluated: 2024-03-01. Review status: criteria provided, single submitter. Criteria: CeGaT Center For Human Genetics Tuebingen Variant Classification Criteria Version 2. Collection method: clinical testing. Allele origin: germline. Affected: yes. Observed: 1 variant allele.
Comment: CACNA1I: BP4, BP7